The following is an entry in ClinVar:

NM_015426.5(POC1A):c.889G>A (p.Val297Ile)

Gene: POC1A (POC1 centriolar protein A; minus strand). Cytogenetic location: 3p21.2.
Variant type: single nucleotide variant.
Coding change: c.889G>A on transcript NM_015426.5 (MANE Select); coding-DNA position 889, G replaced by A.
Protein change: p.Val297Ile; replaces valine 297 with isoleucine.
Molecular consequence: missense variant.
Genome position (GRCh38, 1-based): chr3:52,122,471, C>T on the plus strand (G>A on the coding strand, the complement: POC1A is on the minus strand). VCF-style: chr3-52122471-C-T. GRCh37 (hg19) VCF-style: chr3-52156487-C-T.
Other names: c.889G>A, p.Val297Ile (NM_001161580.2); c.775G>A, p.Val259Ile (NM_001161581.2); short protein forms V259I, V297I.
Identifiers: ClinVar variation 1306065 (VCV001306065.9), dbSNP rs948393275, ClinGen allele CA74721107.

ClinVar aggregate classification (germline): Uncertain significance. Review status: criteria provided, multiple submitters, no conflicts (2 of 4 stars). 2 submissions from 2 submitters: Uncertain significance (2). Last evaluated 2025-10-23.

Allele frequency attached by ClinVar (database versions not stated): gnomAD exomes below 0.00001.
gnomAD v4.1: 6 of 1,602,394 alleles (0.00037%); highest among the groups gnomAD compares: Non-Finnish European, 0.00051%; no homozygotes.

Submissions (2):

GeneDx
Classification: Uncertain significance. Last evaluated: 2025-10-23. Review status: criteria provided, single submitter. Criteria: GeneDx Variant Classification Process June 2021. Collection method: clinical testing. Allele origin: germline. Affected: yes.
Comment: In silico analysis suggests that this missense variant does not alter protein structure/function; Has not been previously published as pathogenic or benign to our knowledge

Labcorp Genetics (formerly Invitae), Labcorp
Classification: Uncertain significance. Last evaluated: 2023-07-17. Review status: criteria provided, single submitter. Criteria: Invitae Variant Classification Sherloc (09022015). Collection method: clinical testing. Allele origin: germline.
Comment: Advanced modeling of protein sequence and biophysical properties (such as structural, functional, and spatial information, amino acid conservation, physicochemical variation, residue mobility, and thermodynamic stability) performed at Invitae indicates that this missense variant is not expected to disrupt POC1A protein function. ClinVar contains an entry for this variant (Variation ID: 1306065). This variant has not been reported in the literature in individuals affected with POC1A-related conditions. This variant is present in population databases (no rsID available, gnomAD 0.004%). This sequence change replaces valine with isoleucine at codon 297 of the POC1A protein (p.Val297Ile). In summary, the available evidence is currently insufficient to determine the role of this variant in disease. Therefore, it has been classified as a Variant of Uncertain Significance.